The following is an entry in ClinVar:

ClinVar aggregate classification (germline): Benign (1 of 4 stars; one submission).

Conditions:
Hyper-IgE recurrent infection syndrome 1, autosomal dominant. Also called: HYPER-IgE SYNDROME 1, AUTOSOMAL DOMINANT, WITH RECURRENT INFECTIONS; JOB SYNDROME; Job's Syndrome; STAT3 Hyper IgE Syndrome; Hyper-IgE recurrent infection syndrome 1. Identifiers: Orphanet 2314, MedGen C2936739, MONDO:0007818, OMIM 147060.

Allele frequency attached by ClinVar (database versions not stated): gnomAD exomes 0.00078; gnomAD 0.00465 and 0.00503; 1000 Genomes Project 0.00499; 1000 Genomes Project 30x 0.00515; TOPMed 0.00529.
gnomAD v4.1: 751 of 219,166 alleles (0.34%); highest among the groups gnomAD compares: African/African-American, 1.6%; 8 homozygotes.

Submission:

Illumina Laboratory Services, Illumina
Classification: Benign for Hyper-IgE recurrent infection syndrome 1, autosomal dominant. Last evaluated: 2018-01-13. Review status: criteria provided, single submitter. Criteria: ICSL Variant Classification Criteria 13 December 2019. Collection method: clinical testing. Allele origin: germline.
Comment: This variant was observed in the ICSL laboratory as part of a predisposition screen in an ostensibly healthy population. It had not been previously curated by ICSL or reported in the Human Gene Mutation Database (HGMD: prior to June 1st, 2018), and was therefore a candidate for classification through an automated scoring system. Utilizing variant allele frequency, disease prevalence and penetrance estimates, and inheritance mode, an automated score was calculated to assess if this variant is too frequent to cause the disease. Based on the score and internal cut-off values, a variant classified as benign is not then subjected to further curation. The score for this variant resulted in a classification of benign for this disease.

NM_139276.3(STAT3):c.*582A>T

Gene: STAT3 (signal transducer and activator of transcription 3; minus strand). Cytogenetic location: 17q21.2.
Variant type: single nucleotide variant.
Coding change: c.*582A>T on transcript NM_139276.3 (MANE Select); 582 bases downstream of the stop codon, A replaced by T.
Molecular consequence: 3 prime UTR variant.
Genome position (GRCh38, 1-based): chr17:42,315,163, T>A on the plus strand (A>T on the coding strand, the complement: STAT3 is on the minus strand). VCF-style: chr17-42315163-T-A. GRCh37 (hg19) VCF-style: chr17-40467181-T-A.
Other names: c.*582A>T (NM_001369512.1, NM_001369513.1, NM_001369514.1 and 10 more transcripts); c.*676A>T (NM_001369517.1, NM_001369518.1, NM_001369519.1 and 4 more transcripts).
Identifiers: ClinVar variation 323236 (VCV000323236.5), dbSNP rs115090026, ClinGen allele CA10645657.